The following is an entry in ClinVar:

NM_000287.4(PEX6):c.883-3T>C

Gene: PEX6 (peroxisomal biogenesis factor 6; minus strand). Cytogenetic location: 6p21.1.
Variant type: single nucleotide variant.
Coding change: c.883-3T>C on transcript NM_000287.4 (MANE Select); 3 bases into the intron before coding-DNA position 883, T replaced by C.
Molecular consequence: intron variant.
Genome position (GRCh38, 1-based): chr6:42,975,041, A>G on the plus strand (T>C on the coding strand, the complement: PEX6 is on the minus strand). VCF-style: chr6-42975041-A-G. GRCh37 (hg19) VCF-style: chr6-42942779-A-G.
Other names: c.619-3T>C (NM_001316313.2).
Identifiers: ClinVar variation 92791 (VCV000092791.26), dbSNP rs9986447, ClinGen allele CA146016.
Genomic context (GRCh38, chr6:42,975,041, plus strand): 5'-CAGGCAGCAATGAGCAGCTTCCTTTGTCTTCAGGGGCGATGGAGCCTTCCAAGTACCTCT[A>G]TTAGAGAAATAACCACCACGTTATAACCTTCTCCTAAGGGGGCAGGCTCTAACCTGTCTC-3'

ClinVar aggregate classification (germline): Benign. Review status: criteria provided, multiple submitters, no conflicts (2 of 4 stars). 13 submissions from 11 submitters: Benign (11). 2 of the submissions do not count toward it. Last evaluated 2026-02-04.

Conditions:
Peroxisome biogenesis disorder 4B (PBD4B). Also called: SPINOCEREBELLAR ATAXIA WITH BLINDNESS AND DEAFNESS 1. Identifiers: Orphanet 44, Orphanet 95433, MedGen C3553937, MONDO:0013931, OMIM 614863.
Peroxisome biogenesis disorder 4A (Zellweger) (PBD4A). Also called: Zellweger syndrome spectrum (PEX6-related). Identifiers: Orphanet 912, MedGen C3553936, MONDO:0013930, OMIM 614862. Disease mechanism: loss of function.
Peroxisome biogenesis disorder. Identifiers: Orphanet 79189, MedGen C1832200, MONDO:0019234. Disease mechanism: loss of function.
Heimler syndrome 2 (HMLR2). Also called: PEROXISOME BIOGENESIS DISORDER 4C. Identifiers: Orphanet 3220, MedGen C4225267, OMIM 616617, MONDO:0014709.
Zellweger spectrum disorders (ZS). Also called: Zellweger syndrome; Zellweger Spectrum Disorder; Zellweger Spectrum; Zellweger Spectrum Disorder (ZSD). Identifiers: Orphanet 912, MedGen C0043459, MONDO:0019609.

Allele frequency attached by ClinVar (database versions not stated): 1000 Genomes Project 30x 0.28951; 1000 Genomes Project 0.28974; TOPMed 0.34568; gnomAD 0.35980 and 0.36088; gnomAD exomes 0.37293 and 0.42809; ESP Exome Variant Server 0.37667; ExAC 0.37762.
gnomAD v4.1: 677,714 of 1,609,494 alleles (42%); highest among the groups gnomAD compares: Middle Eastern, 46%; 148,312 homozygotes.

Submissions (13):

Labcorp Genetics (formerly Invitae), Labcorp
Classification: Benign for Peroxisome biogenesis disorder. Last evaluated: 2026-02-04. Review status: criteria provided, single submitter. Criteria: Invitae Variant Classification Sherloc (09022015). Collection method: clinical testing. Allele origin: germline.

Blueprint Genetics
Classification: Benign. Last evaluated: 2024-11-27. Review status: criteria provided, single submitter. Criteria: ACMG Guidelines, 2015. Collection method: clinical testing. Allele origin: germline.

Fulgent Genetics
Classification: Benign for Peroxisome biogenesis disorder 4A (Zellweger); Peroxisome biogenesis disorder 4B; Heimler syndrome 2. Last evaluated: 2021-08-11. Review status: criteria provided, single submitter. Criteria: ACMG Guidelines, 2015. Collection method: clinical testing. Allele origin: unknown.

Genome-Nilou Lab
Classification: Benign for Heimler syndrome 2. Last evaluated: 2021-07-10. Review status: criteria provided, single submitter. Criteria: ACMG Guidelines, 2015. Collection method: clinical testing. Allele origin: germline. Affected: no.

Genome-Nilou Lab
Classification: Benign for Peroxisome biogenesis disorder 4A (Zellweger). Last evaluated: 2021-07-10. Review status: criteria provided, single submitter. Criteria: ACMG Guidelines, 2015. Collection method: clinical testing. Allele origin: germline. Affected: no.

Genome-Nilou Lab
Classification: Benign for Peroxisome biogenesis disorder 4B. Last evaluated: 2021-07-10. Review status: criteria provided, single submitter. Criteria: ACMG Guidelines, 2015. Collection method: clinical testing. Allele origin: germline. Affected: no.

GeneDx
Classification: Benign. Last evaluated: 2018-08-07. Review status: criteria provided, single submitter. Criteria: GeneDx Variant Classification Process June 2021. Collection method: clinical testing. Allele origin: germline. Affected: yes.

Illumina Laboratory Services, Illumina
Classification: Benign for Peroxisome biogenesis disorder 4A (Zellweger). Last evaluated: 2018-01-12. Review status: criteria provided, single submitter. Criteria: ICSL Variant Classification Criteria 13 December 2019. Collection method: clinical testing. Allele origin: germline.
Comment: This variant was observed in the ICSL laboratory as part of a predisposition screen in an ostensibly healthy population. It had not been previously curated by ICSL or reported in the Human Gene Mutation Database (HGMD: prior to June 1st, 2018), and was therefore a candidate for classification through an automated scoring system. Utilizing variant allele frequency, disease prevalence and penetrance estimates, and inheritance mode, an automated score was calculated to assess if this variant is too frequent to cause the disease. Based on the score and internal cut-off values, a variant classified as benign is not then subjected to further curation. The score for this variant resulted in a classification of benign for this disease.

Women's Health and Genetics/Laboratory Corporation of America, LabCorp
Classification: Benign. Last evaluated: 2016-10-10. Review status: criteria provided, single submitter. Criteria: LabCorp Variant Classification Summary - May 2015. Collection method: clinical testing. Allele origin: germline.
Comment: Variant summary: The PEX6 c.883-3T>C variant involves the alteration of a non-conserved intronic nucleotide. One in silico tool predicts a polymorphism outcome for this variant. 5/5 splice prediction tools predict no significant impact on normal splicing. This variant was found in 45827/121356 control chromosomes (9493 homozygotes) at a frequency of 0.3776245, which greatly exceeds the estimated maximal expected allele frequency of a pathogenic PEX6 variant (0.0019365), indicating that this variant is a benign polymorphism. Multiple clinical labs have classified the variant as benign. Taken together, this variant is classified as benign.

Eurofins Ntd Llc (ga)
Classification: Benign. Last evaluated: 2013-12-23. Review status: criteria provided, single submitter. Criteria: EGL Classification Definitions 2015. Collection method: clinical testing. Allele origin: germline. Observed: 5 variant alleles, 3 heterozygotes, 2 homozygotes.

PreventionGenetics, part of Exact Sciences
Classification: Benign. Review status: criteria provided, single submitter. Criteria: ACMG Guidelines, 2015. Collection method: clinical testing. Allele origin: germline.

Natera, Inc.
Classification: Benign for Zellweger syndrome. Last evaluated: 2020-09-16. Review status: no assertion criteria provided. Collection method: clinical testing. Allele origin: germline. Not counted in ClinVar's aggregate classification.

Mayo Clinic Laboratories, Mayo Clinic
Classification: Benign. Last evaluated: 2015-10-21. Review status: no assertion criteria provided. Collection method: clinical testing. Allele origin: unknown. Not counted in ClinVar's aggregate classification.